The following is an entry in ClinVar:

NM_001199799.2(ILDR1):c.1210C>T (p.Arg404Cys)

Gene: ILDR1 (immunoglobulin like domain containing receptor 1; minus strand). Cytogenetic location: 3q13.33.
Variant type: single nucleotide variant.
Coding change: c.1210C>T on transcript NM_001199799.2 (MANE Select); coding-DNA position 1210, C replaced by T.
Protein change: p.Arg404Cys; replaces arginine 404 with cysteine.
Molecular consequence: missense variant.
Genome position (GRCh38, 1-based): chr3:121,993,539, G>A on the plus strand (C>T on the coding strand, the complement: ILDR1 is on the minus strand). VCF-style: chr3-121993539-G-A. GRCh37 (hg19) VCF-style: chr3-121712386-G-A.
Other names: c.943C>T, p.Arg315Cys (NM_001199800.2); c.1078C>T, p.Arg360Cys (NM_175924.4); short protein forms R404C, R315C, R360C.
Identifiers: ClinVar variation 4748353 (VCV004748353.1).
Genomic context (GRCh38, chr3:121,993,539, plus strand): 5'-CATCGCTTAGGCTGTCCCTGTCTGACCAGTGTATGGGTGACCCATTCAGCCTAGAGCTAC[G>A]GTGCCTTCCACTCCACGATGGGTCCAACTCCCTTCTTTCCAATGCCCAAGACTTTGGCCC-3'
Protein context (NP_001186728.1, residues 394-414): ELDPSWSGRH[Arg404Cys]SSRLNGSPIH

ClinVar aggregate classification (germline): Uncertain significance (1 of 4 stars; one submission).

Submission:

Labcorp Genetics (formerly Invitae), Labcorp
Classification: Uncertain significance. Last evaluated: 2025-09-02. Review status: criteria provided, single submitter. Criteria: Invitae Variant Classification Sherloc (09022015). Collection method: clinical testing. Allele origin: germline.
Comment: This sequence change replaces arginine, which is basic and polar, with cysteine, which is neutral and slightly polar, at codon 404 of the ILDR1 protein (p.Arg404Cys). This variant is present in population databases (rs759613864, gnomAD 0.01%). This variant has not been reported in the literature in individuals affected with ILDR1-related conditions. An algorithm developed to predict the effect of missense changes on protein structure and function (PolyPhen-2) suggests that this variant is likely to be tolerated. In summary, the available evidence is currently insufficient to determine the role of this variant in disease. Therefore, it has been classified as a Variant of Uncertain Significance.